The following is an entry in ClinVar:

NM_004360.5(CDH1):c.1982del (p.Gly661fs)

Gene: CDH1 (cadherin 1; plus strand). Cytogenetic location: 16q22.1.
Variant type: Deletion.
Coding change: c.1982del on transcript NM_004360.5 (MANE Select); coding-DNA position 1982, one base deleted (G; older notation c.1982delG).
Protein change: p.Gly661fs; shifts the reading frame from glycine 661.
Molecular consequence: frameshift variant.
Genome position (GRCh38, 1-based): chr16:68,823,444, G deleted; the last of 3 consecutive G bases (chr16:68,823,442-68,823,444); deleting any one gives the same sequence. VCF-style (leftmost placement, unchanged base first): chr16-68823441-TG-T. GRCh37 (hg19) VCF-style: chr16-68857344-TG-T.
Other names: c.1799del, p.Gly600fs (NM_001317184.2); c.434del, p.Gly145fs (NM_001317185.2); c.17del, p.Gly6fs (NM_001317186.2); short protein forms G661fs, G600fs, G145fs, G6fs.
Identifiers: ClinVar variation 662412 (VCV000662412.12), dbSNP rs1596965628, ClinGen allele CA915949323.

ClinVar aggregate classification (germline): Pathogenic. Review status: criteria provided, multiple submitters, no conflicts (2 of 4 stars). 3 submissions from 3 submitters: Pathogenic (3). Last evaluated 2025-08-11.

Conditions:
Hereditary cancer-predisposing syndrome. Also called: Neoplastic Syndromes, Hereditary; Hereditary neoplastic syndrome; Tumor predisposition; Hereditary Cancer Syndrome. Identifiers: Orphanet 140162, MedGen C0027672, MeSH D009386, MONDO:0015356.
Hereditary diffuse gastric adenocarcinoma (HDGC). Also called: DIFFUSE GASTRIC AND LOBULAR BREAST CANCER SYNDROME. Identifiers: Orphanet 26106, MedGen C1708349, MONDO:0007648, OMIM 137215.

Submissions (3):

Labcorp Genetics (formerly Invitae), Labcorp
Classification: Pathogenic for Hereditary diffuse gastric adenocarcinoma. Last evaluated: 2025-08-11. Review status: criteria provided, single submitter. Criteria: Invitae Variant Classification Sherloc (09022015). Collection method: clinical testing. Allele origin: germline.
Comment: This sequence change creates a premature translational stop signal (p.Gly661Valfs*18) in the CDH1 gene. It is expected to result in an absent or disrupted protein product. Loss-of-function variants in CDH1 are known to be pathogenic (PMID: 15235021, 20373070). This variant is not present in population databases (gnomAD no frequency). This variant has not been reported in the literature in individuals affected with CDH1-related conditions. ClinVar contains an entry for this variant (Variation ID: 662412). For these reasons, this variant has been classified as Pathogenic.

Ambry Genetics
Classification: Pathogenic for Hereditary cancer-predisposing syndrome. Last evaluated: 2024-06-18. Review status: criteria provided, single submitter. Criteria: Ambry Variant Classification Scheme 2023. Collection method: clinical testing. Allele origin: germline.
Comment: The c.1982delG pathogenic mutation, located in coding exon 13 of the CDH1 gene, results from a deletion of one nucleotide at nucleotide position 1982, causing a translational frameshift with a predicted alternate stop codon (p.G661Vfs*18). This variant was reported in an individual diagnosed with gastric cancer, colorectal cancer, and a carcinoid tumor (Adib E et al. Br J Cancer, 2022 Mar;126:797-803). This variant is considered to be rare based on population cohorts in the Genome Aggregation Database (gnomAD). This alteration is expected to result in loss of function by premature protein truncation or nonsense-mediated mRNA decay. As such, this alteration is interpreted as a disease-causing mutation.

Myriad Genetics, Inc.
Classification: Pathogenic for Hereditary diffuse gastric adenocarcinoma. Last evaluated: 2023-06-15. Review status: criteria provided, single submitter. Criteria: Myriad Autosomal Dominant, Autosomal Recessive and X-Linked Classification Criteria (2023). Collection method: clinical testing. Allele origin: unknown.
Comment: This variant is considered pathogenic. This variant creates a frameshift predicted to result in premature protein truncation.

Literature cited by the submitters: PubMed 15235021 (cited by Labcorp Genetics (formerly Invitae), Labcorp); PubMed 20373070 (cited by Labcorp Genetics (formerly Invitae), Labcorp); PubMed 34949788 (cited by Ambry Genetics).